The following is an entry in ClinVar:

NM_000179.3(MSH6):c.1800T>C (p.Asn600=)

Gene: MSH6 (mutS homolog 6; plus strand). Cytogenetic location: 2p16.3.
Variant type: single nucleotide variant.
Coding change: c.1800T>C on transcript NM_000179.3 (MANE Select); coding-DNA position 1800, T replaced by C.
Protein change: p.Asn600=; no amino-acid change (asparagine 600 retained).
Molecular consequence: synonymous variant.
Genome position (GRCh38, 1-based): chr2:47,799,783, T>C. VCF-style: chr2-47799783-T-C. GRCh37 (hg19) VCF-style: chr2-48026922-T-C.
Other names: c.1410T>C, p.Asn470= (NM_001281492.2); c.894T>C, p.Asn298= (NM_001281493.2, NM_001281494.2).
Identifiers: ClinVar variation 233169 (VCV000233169.16), dbSNP rs876660238, ClinGen allele CA10578077.

ClinVar aggregate classification (germline): Benign/Likely benign. Review status: criteria provided, multiple submitters, no conflicts (2 of 4 stars). 3 submissions from 3 submitters: Benign (1); Likely benign (2). Last evaluated 2024-12-27.

Conditions:
Hereditary nonpolyposis colorectal neoplasms. Identifiers: MedGen C0009405, MeSH D003123.
Lynch syndrome 5 (LYNCH5). Also called: Colorectal cancer, hereditary nonpolyposis, type 5; Hereditary non-polyposis colorectal cancer, type 5. Identifiers: Orphanet 144, MedGen C1833477, MONDO:0013710, OMIM 614350. Disease mechanism: loss of function.
Hereditary cancer-predisposing syndrome. Also called: Neoplastic Syndromes, Hereditary; Tumor predisposition; Hereditary Cancer Syndrome; Hereditary neoplastic syndrome. Identifiers: Orphanet 140162, MedGen C0027672, MeSH D009386, MONDO:0015356.

Allele frequency attached by ClinVar (database versions not stated): gnomAD exomes below 0.00001.

Submissions (3):

Myriad Genetics, Inc.
Classification: Benign for Lynch syndrome 5. Last evaluated: 2024-12-27. Review status: criteria provided, single submitter. Criteria: Myriad Autosomal Dominant, Autosomal Recessive and X-Linked Classification Criteria (2023). Collection method: clinical testing. Allele origin: unknown.
Comment: This variant is considered benign. This variant is a silent/synonymous amino acid change and it is not expected to impact splicing.

Labcorp Genetics (formerly Invitae), Labcorp
Classification: Likely benign for Hereditary nonpolyposis colorectal neoplasms. Last evaluated: 2022-11-01. Review status: criteria provided, single submitter. Criteria: Invitae Variant Classification Sherloc (09022015). Collection method: clinical testing. Allele origin: germline.

Ambry Genetics
Classification: Likely benign for Hereditary cancer-predisposing syndrome. Last evaluated: 2015-08-07. Review status: criteria provided, single submitter. Criteria: Ambry Variant Classification Scheme 2023. Collection method: clinical testing. Allele origin: germline.